The following is an entry in ClinVar:

ClinVar aggregate classification (germline): Likely benign. Review status: criteria provided, multiple submitters, no conflicts (2 of 4 stars). 2 submissions from 2 submitters: Likely benign (2). Last evaluated 2025-12-30.

Conditions:
ALMS1-related disorder. Also called: ALMS1-related condition.
Alstrom syndrome (ALMS). Identifiers: Orphanet 64, MedGen C0268425, MONDO:0008763, OMIM 203800.

Submissions (2):

PreventionGenetics, part of Exact Sciences
Classification: Likely benign for ALMS1-related condition. Last evaluated: 2025-12-30. Review status: criteria provided, single submitter. Criteria: ACMG Guidelines, 2015. Collection method: clinical testing. Allele origin: germline.
Comment: This variant is classified as likely benign based on ACMG/AMP sequence variant interpretation guidelines (Richards et al. 2015 PMID: 25741868, with internal and published modifications).

Labcorp Genetics (formerly Invitae), Labcorp
Classification: Likely benign for Alstrom syndrome. Last evaluated: 2021-04-05. Review status: criteria provided, single submitter. Criteria: Invitae Variant Classification Sherloc (09022015). Collection method: clinical testing. Allele origin: germline.

NM_001378454.1(ALMS1):c.9471A>G (p.Gln3157=)

Gene: ALMS1 (ALMS1 centrosome and basal body associated protein; plus strand). Cytogenetic location: 2p13.1.
Variant type: single nucleotide variant.
Coding change: c.9471A>G on transcript NM_001378454.1 (MANE Select); coding-DNA position 9471, A replaced by G.
Protein change: p.Gln3157=; no amino-acid change (glutamine 3157 retained).
Molecular consequence: synonymous variant.
Genome position (GRCh38, 1-based): chr2:73,491,430, A>G. VCF-style: chr2-73491430-A-G. GRCh37 (hg19) VCF-style: chr2-73718557-A-G.
Other names: c.9474A>G, p.Gln3158= (NM_015120.4).
Identifiers: ClinVar variation 1543996 (VCV001543996.9), dbSNP rs1273315356, ClinGen allele CA426766656.